The following is an entry in ClinVar:

NC_000005.10:g.112707497C>A

Genes: APC (APC regulator of Wnt signaling pathway; plus strand), LOC129994371 (ATAC-STARR-seq lymphoblastoid active region 22910; plus strand). Cytogenetic location: 5q22.2.
Variant type: single nucleotide variant.
Genome position: GRCh38 VCF-style: chr5-112707497-C-A. GRCh37 (hg19) VCF-style: chr5-112043194-C-A.
Identifiers: ClinVar variation 2129172 (VCV002129172.5), dbSNP rs2149629086, ClinGen allele CA2580072261.
Genomic context (GRCh38, chr5:112,707,497, plus strand): 5'-CTGCGCATAACAGGCTCTAGTCTCCGGGCTGTGGGAAGCCAGCAACACCTCTCACGCATG[C>A]GCATTGTAGTCTTCCCACCTCCCACAAGATGGCGGAGGGCAAGTAGCAAGGGGGCGGGGT-3'

ClinVar aggregate classification (germline): Uncertain significance (1 of 4 stars; one submission).

Conditions:
Familial adenomatous polyposis 1 (FAP1). Also called: POLYPOSIS, ADENOMATOUS INTESTINAL; FAMILIAL ADENOMATOUS POLYPOSIS 1, ATTENUATED. Identifiers: MedGen C2713442, MONDO:0021056, OMIM 175100. Disease mechanism: loss of function.

Allele frequency attached by ClinVar (database versions not stated): gnomAD exomes 0.00001.

Submission:

Labcorp Genetics (formerly Invitae), Labcorp
Classification: Uncertain significance for Familial adenomatous polyposis 1. Last evaluated: 2022-04-22. Review status: criteria provided, single submitter. Criteria: Invitae Variant Classification Sherloc (09022015). Collection method: clinical testing. Allele origin: germline.
Comment: This variant occurs in a non-coding region of the APC gene. It does not change the encoded amino acid sequence of the APC protein. This variant is not present in population databases (gnomAD no frequency). This variant has not been reported in the literature in individuals affected with APC-related conditions. Experimental studies and prediction algorithms are not available or were not evaluated, and the functional significance of this variant is currently unknown. In summary, the available evidence is currently insufficient to determine the role of this variant in disease. Therefore, it has been classified as a Variant of Uncertain Significance.